The following is an entry in ClinVar:

ClinVar aggregate classification (germline): Benign (1 of 4 stars; one submission).

Allele frequency attached by ClinVar (database versions not stated): gnomAD exomes 0.00372; gnomAD 0.02985 and 0.03186; 1000 Genomes Project 0.03075; 1000 Genomes Project 30x 0.03326; TOPMed 0.03328.
gnomAD v4.1: 5,855 of 496,884 alleles (1.2%); highest among the groups gnomAD compares: African/African-American, 10%; 254 homozygotes.

Submission:

GeneDx
Classification: Benign. Last evaluated: 2018-06-18. Review status: criteria provided, single submitter. Criteria: GeneDx Variant Classification (06012015). Collection method: clinical testing. Allele origin: germline. Affected: yes.
Comment: This variant is considered likely benign or benign based on one or more of the following criteria: it is a conservative change, it occurs at a poorly conserved position in the protein, it is predicted to be benign by multiple in silico algorithms, and/or has population frequency not consistent with disease.

NM_001927.4(DES):c.1289-264C>T

Gene: DES (desmin; plus strand). Cytogenetic location: 2q35.
Variant type: single nucleotide variant.
Coding change: c.1289-264C>T on transcript NM_001927.4 (MANE Select); 264 bases into the intron before coding-DNA position 1289, C replaced by T.
Molecular consequence: intron variant.
Genome position (GRCh38, 1-based): chr2:219,425,399, C>T. VCF-style: chr2-219425399-C-T. GRCh37 (hg19) VCF-style: chr2-220290121-C-T.
Identifiers: ClinVar variation 671845 (VCV000671845.1), dbSNP rs58898098, ClinGen allele CA65986709.
Genomic context (GRCh38, chr2:219,425,399, plus strand): 5'-ACTAGGAGGGATGGGGAATGTCAGTGCTGTGCAGCCTGGGCCTCAGGTGTCCCCTACCCT[C>T]CTGCACCATCCTGCACATGGAGCAAATCTGTTGGCTCCTGAGACCATCTAAACTATGGGA-3'